The following is an entry in ClinVar:

NM_000458.4(HNF1B):c.539_544dup (p.Arg181_Gln182insLeuArg)

Gene: HNF1B (HNF1 homeobox B; minus strand). Cytogenetic location: 17q12.
Variant type: Duplication.
Coding change: c.539_544dup on transcript NM_000458.4 (MANE Select); coding-DNA positions 539 to 544, 6 bases duplicated (TCCGAC; older notation c.539_544dupTCCGAC).
Protein change: p.Arg181_Gln182insLeuArg.
Genome position (GRCh38, 1-based): chr17:37,739,440-37,739,445, GTCGGA duplicated on the plus strand (TCCGAC on the coding strand, the reverse complement: HNF1B is on the minus strand); duplicating any 6 consecutive bases within chr17:37,739,440-37,739,446 gives the same sequence; the c. name uses the placement nearest the transcript's 3' end. VCF-style (leftmost placement, unchanged base first): chr17-37739439-C-CGTCGGA. GRCh37 (hg19) VCF-style: chr17-36099430-C-CGTCGGA.
Other names: c.539_544dupTCCGAC (NM_000458.4); c.539_544dup, p.Arg181_Gln182insLeuArg (NM_001165923.4, NM_001304286.2, NM_001411100.1).
Identifiers: ClinVar variation 4687674 (VCV004687674.1).
Genomic context (GRCh38, chr17:37,739,439, plus strand): 5'-AATGGGGTGAGAGGGCAAAGGTCACTTCAGGTTGAGGCAGAGGCAGGATGAAAACACTTA[C>CGTCGGA]GTCGGAGGATCTCTCGTTGCTTTCTGACGTACCAGGTGTACAGAGCGGCACGCTTCTGGG-3'

ClinVar aggregate classification (germline): Uncertain significance (1 of 4 stars; one submission).

Submission:

Women's Health and Genetics/Laboratory Corporation of America, LabCorp
Classification: Uncertain significance. Last evaluated: 2025-10-28. Review status: criteria provided, single submitter. Criteria: LabCorp Variant Classification Summary - May 2015. Collection method: clinical testing. Allele origin: germline.
Comment: Variant summary: HNF1B c.539_544dupTCCGAC (p.Leu180_Arg181dup) results in an in-frame duplication that is predicted to duplicate 3 amino acids into the encoded protein. Consensus agreement among computation tools predict no significant impact on normal splicing. However, these predictions have yet to be confirmed by functional studies. The variant was absent in 251180 control chromosomes (gnomAD). The available data on variant occurrences in the general population are insufficient to allow any conclusion about variant significance. To our knowledge, no occurrence of c.539_544dupTCCGAC in individuals affected with HNF1B-related conditions and no experimental evidence demonstrating its impact on protein function have been reported. No submitters have cited clinical-significance assessments for this variant to ClinVar. Based on the evidence outlined above, the variant was classified as uncertain significance.